The following is an entry in ClinVar:

NM_018719.5(CDCA7L):c.*1313C>G

Genes: DNAH11 (dynein axonemal heavy chain 11; plus strand), CDCA7L (cell division cycle associated 7 like; minus strand). Cytogenetic location: 7p15.3.
Variant type: single nucleotide variant.
Coding change: c.*1313C>G on transcript NM_018719.5 (MANE Select); 1313 bases downstream of the stop codon, C replaced by G.
Molecular consequence: 3 prime UTR variant. On other transcripts: missense variant (1).
Genome position (GRCh38, 1-based): chr7:21,901,009, G>C on the plus strand (C>G on the coding strand, the complement: CDCA7L is on the minus strand). VCF-style: chr7-21901009-G-C. GRCh37 (hg19) VCF-style: chr7-21940627-G-C.
Other names: NM_001127371.3:c.*1313C>G; c.*1313C>G (NM_001127370.3, NM_001127371.3); c.13306G>C, p.Ala4436Pro (NM_001277115.2); short protein forms A4436P.
Identifiers: ClinVar variation 3776952 (VCV003776952.1).

ClinVar aggregate classification (germline): Uncertain significance (1 of 4 stars; one submission).

Conditions:
Primary ciliary dyskinesia 7. Also called: CILIARY DYSKINESIA, PRIMARY, 7, WITH OR WITHOUT SITUS INVERSUS. Identifiers: Orphanet 244, MedGen C2678473, MONDO:0012748, OMIM 611884.

gnomAD v4.1: 3 of 1,586,438 alleles (0.00019%); highest among the groups gnomAD compares: Non-Finnish European, 0.00026%; no homozygotes.

Submission:

Broad Center for Mendelian Genomics, Broad Institute of MIT and Harvard
Classification: Uncertain significance for Primary ciliary dyskinesia 7. Last evaluated: 2025-02-20. Review status: criteria provided, single submitter. Criteria: ACMG Guidelines, 2015. Collection method: curation. Allele origin: germline. Inheritance: Autosomal recessive inheritance.
Comment: The p.Ala4436Pro variant in DNAH11 has been reported, in the compound heterozygous state, in 1 individual with primary ciliary dyskinesia (PMID: 34556108; Variation ID: 238946), and has been identified in 0.0003% (3/1166466) of European (non-Finnish) chromosomes by the Genome Aggregation Database (gnomAD). Although this variant has been seen in the general population in a heterozygous state, its frequency is low enough to be consistent with a recessive carrier frequency. Computational prediction tools and conservation analyses do not provide strong support for or against an impact to the protein. One additional pathogenic variant, resulting in a different amino acid change at the same position, p.Ala4436Thr, has been reported in association with disease in ClinVar, supporting that a change at this position may not be tolerated (Variation ID: 853422). In summary, the clinical significance of the p.Ala4436Pro variant is uncertain. ACMG/AMP Criteria applied: PM3, PM2_supporting, PM5 (Richards 2015).